The following is an entry in ClinVar:

ClinVar aggregate classification (germline): Uncertain significance (1 of 4 stars; one submission).

Allele frequency attached by ClinVar (database versions not stated): TOPMed below 0.00001; gnomAD 0.00001.
gnomAD v4.1: 10 of 1,614,102 alleles (0.00062%); highest among the groups gnomAD compares: Non-Finnish European, 0.00085%; no homozygotes.

Submission:

Labcorp Genetics (formerly Invitae), Labcorp
Classification: Uncertain significance. Last evaluated: 2022-02-11. Review status: criteria provided, single submitter. Criteria: Invitae Variant Classification Sherloc (09022015). Collection method: clinical testing. Allele origin: germline.
Comment: In summary, the available evidence is currently insufficient to determine the role of this variant in disease. Therefore, it has been classified as a Variant of Uncertain Significance. This sequence change replaces asparagine, which is neutral and polar, with lysine, which is basic and polar, at codon 482 of the C8A protein (p.Asn482Lys). The frequency data for this variant in the population databases is considered unreliable, as metrics indicate poor data quality at this position in the gnomAD database. This variant has not been reported in the literature in individuals affected with C8A-related conditions. ClinVar contains an entry for this variant (Variation ID: 1019415). Algorithms developed to predict the effect of missense changes on protein structure and function are either unavailable or do not agree on the potential impact of this missense change (SIFT: "Deleterious"; PolyPhen-2: "Probably Damaging"; Align-GVGD: "Class C0").

NM_000562.3(C8A):c.1446C>A (p.Asn482Lys)

Gene: C8A (complement C8 alpha chain; plus strand). Cytogenetic location: 1p32.2.
Variant type: single nucleotide variant.
Coding change: c.1446C>A on transcript NM_000562.3 (MANE Select); coding-DNA position 1446, C replaced by A.
Protein change: p.Asn482Lys; replaces asparagine 482 with lysine.
Molecular consequence: missense variant.
Genome position (GRCh38, 1-based): chr1:56,912,468, C>A. VCF-style: chr1-56912468-C-A. GRCh37 (hg19) VCF-style: chr1-57378141-C-A.
Other names: short protein forms N482K.
Identifiers: ClinVar variation 1019415 (VCV001019415.8), dbSNP rs777141218, ClinGen allele CA22842347.